The following is an entry in ClinVar:

NM_000302.4(PLOD1):c.1181G>A (p.Arg394Gln)

Gene: PLOD1 (procollagen-lysine,2-oxoglutarate 5-dioxygenase 1; plus strand). Cytogenetic location: 1p36.22.
Variant type: single nucleotide variant.
Coding change: c.1181G>A on transcript NM_000302.4 (MANE Select); coding-DNA position 1181, G replaced by A.
Protein change: p.Arg394Gln; replaces arginine 394 with glutamine.
Molecular consequence: missense variant.
Genome position (GRCh38, 1-based): chr1:11,963,615, G>A. VCF-style: chr1-11963615-G-A. GRCh37 (hg19) VCF-style: chr1-12023672-G-A.
Other names: c.1322G>A, p.Arg441Gln (NM_001316320.2); short protein forms R394Q, R441Q.
Identifiers: ClinVar variation 1046006 (VCV001046006.6), dbSNP rs767839550, ClinGen allele CA598310.

ClinVar aggregate classification (germline): Uncertain significance. Review status: criteria provided, multiple submitters, no conflicts (2 of 4 stars). 2 submissions from 2 submitters: Uncertain significance (2). Last evaluated 2022-08-08.

Conditions:
Ehlers-Danlos syndrome, kyphoscoliotic type 1 (EDSKSCL1). Also called: Ehlers-Danlos syndrome, hydroxylysine-deficient; EHLERS-DANLOS SYNDROME, OCULAR-SCOLIOTIC TYPE; PLOD1-Related Kyphoscoliotic Ehlers-Danlos Syndrome; EHLERS-DANLOS SYNDROME, TYPE VIA. Identifiers: Orphanet 1900, MedGen C0268342, MONDO:0016002, OMIM 225400. Disease mechanism: loss of function.
Familial thoracic aortic aneurysm and aortic dissection (TAAD). Also called: Thoracic aortic aneurysms and dissections. Identifiers: Orphanet 91387, MedGen C4707243, MONDO:0019625.

Allele frequency attached by ClinVar (database versions not stated): TOPMed below 0.00001; gnomAD exomes 0.00001; ExAC 0.00002.

Submissions (2):

Ambry Genetics
Classification: Uncertain significance for Familial thoracic aortic aneurysm and aortic dissection. Last evaluated: 2022-08-08. Review status: criteria provided, single submitter. Criteria: Ambry Variant Classification Scheme 2023. Collection method: clinical testing. Allele origin: germline.
Comment: The p.R394Q variant (also known as c.1181G>A), located in coding exon 11 of the PLOD1 gene, results from a G to A substitution at nucleotide position 1181. The arginine at codon 394 is replaced by glutamine, an amino acid with highly similar properties. This amino acid position is conserved. In addition, this alteration is predicted to be tolerated by in silico analysis. Since supporting evidence is limited at this time, the clinical significance of this alteration remains unclear.

Labcorp Genetics (formerly Invitae), Labcorp
Classification: Uncertain significance for Ehlers-Danlos syndrome, kyphoscoliotic type 1. Last evaluated: 2022-04-18. Review status: criteria provided, single submitter. Criteria: Invitae Variant Classification Sherloc (09022015). Collection method: clinical testing. Allele origin: germline.
Comment: This sequence change replaces arginine, which is basic and polar, with glutamine, which is neutral and polar, at codon 394 of the PLOD1 protein (p.Arg394Gln). The frequency data for this variant in the population databases is considered unreliable, as metrics indicate poor data quality at this position in the gnomAD database. This variant has not been reported in the literature in individuals affected with PLOD1-related conditions. ClinVar contains an entry for this variant (Variation ID: 1046006). Algorithms developed to predict the effect of missense changes on protein structure and function output the following: SIFT: "Deleterious"; PolyPhen-2: "Benign"; Align-GVGD: "Class C0". The glutamine amino acid residue is found in multiple mammalian species, which suggests that this missense change does not adversely affect protein function. In summary, the available evidence is currently insufficient to determine the role of this variant in disease. Therefore, it has been classified as a Variant of Uncertain Significance.